The following is an entry in ClinVar:

NM_024496.4(IRF2BPL):c.1949C>G (p.Thr650Ser)

Gene: IRF2BPL (interferon regulatory factor 2 binding protein like; minus strand). Cytogenetic location: 14q24.3.
Variant type: single nucleotide variant.
Coding change: c.1949C>G on transcript NM_024496.4 (MANE Select); coding-DNA position 1949, C replaced by G.
Protein change: p.Thr650Ser; replaces threonine 650 with serine.
Molecular consequence: missense variant.
Genome position (GRCh38, 1-based): chr14:77,025,844, G>C on the plus strand (C>G on the coding strand, the complement: IRF2BPL is on the minus strand). VCF-style: chr14-77025844-G-C. GRCh37 (hg19) VCF-style: chr14-77492187-G-C.
Other names: short protein forms T650S.
Identifiers: ClinVar variation 1697141 (VCV001697141.2), dbSNP rs1016031595, ClinGen allele CA390488923.

ClinVar aggregate classification (germline): Uncertain significance (1 of 4 stars; one submission).

Submission:

GeneDx
Classification: Uncertain significance. Last evaluated: 2022-01-18. Review status: criteria provided, single submitter. Criteria: GeneDx Variant Classification Process June 2021. Collection method: clinical testing. Allele origin: germline. Affected: yes.
Comment: Not observed at significant frequency in large population cohorts (gnomAD); In silico analysis supports that this missense variant does not alter protein structure/function; Has not been previously published as pathogenic or benign to our knowledge